The following is an entry in ClinVar:

ClinVar aggregate classification (germline): Uncertain significance (0 of 4 stars; one submission).

Conditions:
ANK1-related disorder. Also called: ANK1-related condition.

Submission:

PreventionGenetics, part of Exact Sciences
Classification: Uncertain significance for ANK1-related condition. Last evaluated: 2024-03-05. Review status: no assertion criteria provided. Collection method: clinical testing. Allele origin: germline.
Comment: The ANK1 c.1127A>C variant is predicted to result in the amino acid substitution p.His376Pro. To our knowledge, this variant has not been reported in the literature or in a large population database, indicating this variant is rare. At this time, the clinical significance of this variant is uncertain due to the absence of conclusive functional and genetic evidence.

NM_000037.4(ANK1):c.1127A>C (p.His376Pro)

Gene: ANK1 (ankyrin 1; minus strand). Cytogenetic location: 8p11.21.
Variant type: single nucleotide variant.
Coding change: c.1127A>C on transcript NM_000037.4 (MANE Select); coding-DNA position 1127, A replaced by C.
Protein change: p.His376Pro; replaces histidine 376 with proline.
Molecular consequence: missense variant.
Genome position (GRCh38, 1-based): chr8:41,718,185, T>G on the plus strand (A>C on the coding strand, the complement: ANK1 is on the minus strand). VCF-style: chr8-41718185-T-G. GRCh37 (hg19) VCF-style: chr8-41575703-T-G.
Other names: c.1226A>C, p.His409Pro (NM_001142446.2); c.1127A>C, p.His376Pro (NM_020475.3, NM_020476.3, NM_020477.3); short protein forms H376P, H409P.
Identifiers: ClinVar variation 2630905 (VCV002630905.3), dbSNP rs2486933535, ClinGen allele CA371040109.